The following is an entry in ClinVar:

ClinVar aggregate classification (germline): Uncertain significance (1 of 4 stars; one submission).

Submission:

GeneDx
Classification: Uncertain significance. Last evaluated: 2023-07-17. Review status: criteria provided, single submitter. Criteria: GeneDx Variant Classification Process June 2021. Collection method: clinical testing. Allele origin: germline. Affected: yes.
Comment: Not observed at significant frequency in large population cohorts (gnomAD); In silico analysis supports that this missense variant does not alter protein structure/function, but splice predictors indicate that the variant may lead to abnormal gene splicing; Has not been previously published as pathogenic or benign to our knowledge

NM_182931.3(KMT2E):c.2624G>A (p.Arg875Lys)

Gene: KMT2E (lysine methyltransferase 2E (inactive); plus strand). Cytogenetic location: 7q22.3.
Variant type: single nucleotide variant.
Coding change: c.2624G>A on transcript NM_182931.3 (MANE Select); coding-DNA position 2624, G replaced by A.
Protein change: p.Arg875Lys; replaces arginine 875 with lysine.
Molecular consequence: missense variant.
Genome position (GRCh38, 1-based): chr7:105,106,549, G>A. VCF-style: chr7-105106549-G-A. GRCh37 (hg19) VCF-style: chr7-104746996-G-A.
Other names: c.2624G>A, p.Arg875Lys (NM_001410908.1, NM_018682.4); short protein forms R875K.
Identifiers: ClinVar variation 3361086 (VCV003361086.1).